The following is an entry in ClinVar:

NM_201384.3(PLEC):c.6455C>G (p.Ala2152Gly)

Gene: PLEC (plectin; minus strand). Cytogenetic location: 8q24.3.
Variant type: single nucleotide variant.
Coding change: c.6455C>G on transcript NM_201384.3 (MANE Select); coding-DNA position 6455, C replaced by G.
Protein change: p.Ala2152Gly; replaces alanine 2152 with glycine.
Molecular consequence: missense variant.
Genome position (GRCh38, 1-based): chr8:143,923,474, G>C on the plus strand (C>G on the coding strand, the complement: PLEC is on the minus strand). VCF-style: chr8-143923474-G-C. GRCh37 (hg19) VCF-style: chr8-144997642-G-C.
Other names: c.6536C>G, p.Ala2179Gly (NM_000445.5); c.6413C>G, p.Ala2138Gly (NM_201378.4); c.6389C>G, p.Ala2130Gly (NM_201379.3); c.6866C>G, p.Ala2289Gly (NM_201380.4); c.6359C>G, p.Ala2120Gly (NM_201381.3); c.6455C>G, p.Ala2152Gly (NM_201382.4); c.6467C>G, p.Ala2156Gly (NM_201383.3); short protein forms A2156G, A2179G, A2289G, A2120G, A2130G, A2138G, A2152G.
Identifiers: ClinVar variation 998856 (VCV000998856.5), dbSNP rs200758669, ClinGen allele CA372534265.

ClinVar aggregate classification (germline): Uncertain significance (1 of 4 stars; one submission).

Conditions:
Autosomal recessive limb-girdle muscular dystrophy type 2Q (LGMDR17). Also called: MUSCULAR DYSTROPHY, LIMB-GIRDLE, AUTOSOMAL RECESSIVE 17. Identifiers: Orphanet 254361, MedGen C3150989, MONDO:0013390, OMIM 613723.
Epidermolysis bullosa simplex with nail dystrophy (EBS5D). Identifiers: MedGen C4225309, MONDO:0014661, OMIM 616487.
Epidermolysis bullosa simplex 5C, with pyloric atresia (EBS5C). Also called: PLEC-Related Epidermolysis Bullosa with Pyloric Atresia; Epidermolysis bullosa simplex with pyloric atresia; PLEC1-Related Epidermolysis Bullosa with Pyloric Atresia. Identifiers: Orphanet 158684, MedGen C2677349, MONDO:0012807, OMIM 612138.
Epidermolysis bullosa simplex, Ogna type (EBS5A). Also called: Pidermolysis bullosa simplex 5A, Ogna type; EPIDERMOLYSIS BULLOSA SIMPLEX 5A, OGNA TYPE. Identifiers: Orphanet 79401, MedGen C0432317, MONDO:0007555, OMIM 131950.
Epidermolysis bullosa simplex 5B, with muscular dystrophy (EBS5B). Also called: Epidermolysis bullosa simplex with muscular dystrophy; EPIDERMOLYSIS BULLOSA SIMPLEX AND LIMB-GIRDLE MUSCULAR DYSTROPHY. Identifiers: Orphanet 257, MedGen C2931072, MONDO:0009181, OMIM 226670.

Allele frequency attached by ClinVar (database versions not stated): TOPMed 0.00016.
gnomAD v4.1: 59 of 1,600,918 alleles (0.0037%); highest among the groups gnomAD compares: Admixed American, 0.099%; 1 homozygote.

Submission:

Labcorp Genetics (formerly Invitae), Labcorp
Classification: Uncertain significance for Autosomal recessive limb-girdle muscular dystrophy type 2Q; Epidermolysis bullosa simplex, Ogna type; Epidermolysis bullosa simplex with nail dystrophy; Epidermolysis bullosa simplex 5C, with pyloric atresia; Epidermolysis bullosa simplex 5B, with muscular dystrophy. Last evaluated: 2021-04-23. Review status: criteria provided, single submitter. Criteria: Invitae Variant Classification Sherloc (09022015). Collection method: clinical testing. Allele origin: germline.
Comment: In summary, the available evidence is currently insufficient to determine the role of this variant in disease. Therefore, it has been classified as a Variant of Uncertain Significance. Algorithms developed to predict the effect of missense changes on protein structure and function are either unavailable or do not agree on the potential impact of this missense change (SIFT: "Deleterious"; PolyPhen-2: "Benign"; Align-GVGD: "Class C55"). This variant has not been reported in the literature in individuals with PLEC-related conditions. This variant is not present in population databases (ExAC no frequency). This sequence change replaces alanine with glycine at codon 2179 of the PLEC protein (p.Ala2179Gly). The alanine residue is highly conserved and there is a small physicochemical difference between alanine and glycine.